The following is an entry in ClinVar:

NM_000102.4(CYP17A1):c.629G>C (p.Ser210Thr)

Gene: CYP17A1 (cytochrome P450 family 17 subfamily A member 1; minus strand). Cytogenetic location: 10q24.32.
Variant type: single nucleotide variant.
Coding change: c.629G>C on transcript NM_000102.4 (MANE Select); coding-DNA position 629, G replaced by C.
Protein change: p.Ser210Thr; replaces serine 210 with threonine.
Molecular consequence: missense variant.
Genome position (GRCh38, 1-based): chr10:102,834,822, C>G on the plus strand (G>C on the coding strand, the complement: CYP17A1 is on the minus strand). VCF-style: chr10-102834822-C-G. GRCh37 (hg19) VCF-style: chr10-104594579-C-G.
Other names: short protein forms S210T.
Identifiers: ClinVar variation 1404776 (VCV001404776.4), dbSNP rs1261511811, ClinGen allele CA377939804.
Genomic context (GRCh38, chr10:102,834,822, plus strand): 5'-AGGCAGGGCTGGCAGCATCTCACCTTCAACCAGGGGACTAGGTCCACCAGGCTGTCTTTG[C>G]TCAGGTTGTCTATGATGCCTTCATTGTAATTCTGTATGACATTCAACTCAGGGTCCCCAT-3'
Protein context (NP_000093.1, residues 200-220): NYNEGIIDNL[Ser210Thr]KDSLVDLVPW

ClinVar aggregate classification (germline): Uncertain significance (1 of 4 stars; one submission).

Allele frequency attached by ClinVar (database versions not stated): gnomAD 0.00001; gnomAD exomes 0.00001.
gnomAD v4.1: 9 of 1,614,026 alleles (0.00056%); highest among the groups gnomAD compares: Non-Finnish European, 0.00076%; no homozygotes.

Submission:

Labcorp Genetics (formerly Invitae), Labcorp
Classification: Uncertain significance. Last evaluated: 2023-10-03. Review status: criteria provided, single submitter. Criteria: Invitae Variant Classification Sherloc (09022015). Collection method: clinical testing. Allele origin: germline.
Comment: This sequence change replaces serine, which is neutral and polar, with threonine, which is neutral and polar, at codon 210 of the CYP17A1 protein (p.Ser210Thr). This variant is present in population databases (no rsID available, gnomAD 0.002%). This variant has not been reported in the literature in individuals affected with CYP17A1-related conditions. ClinVar contains an entry for this variant (Variation ID: 1404776). Advanced modeling of protein sequence and biophysical properties (such as structural, functional, and spatial information, amino acid conservation, physicochemical variation, residue mobility, and thermodynamic stability) performed at Invitae indicates that this missense variant is not expected to disrupt CYP17A1 protein function. In summary, the available evidence is currently insufficient to determine the role of this variant in disease. Therefore, it has been classified as a Variant of Uncertain Significance.